The following is an entry in ClinVar:

ClinVar aggregate classification (germline): Benign/Likely benign. Review status: criteria provided, multiple submitters, no conflicts (2 of 4 stars). 11 submissions from 11 submitters: Benign (8); Likely benign (1). 2 of the submissions do not count toward it. Last evaluated 2026-02-02.

Conditions:
Cardiac arrhythmia, ankyrin-B-related. Also called: ANKYRIN-B SYNDROME. Identifiers: Orphanet 101016, Orphanet 768, MedGen C1970119, MONDO:0010958, OMIM 600919.
Cardiovascular phenotype. Identifiers: MedGen CN230736.
Long QT syndrome (LQTS). Identifiers: MedGen C0023976, MeSH D008133, MONDO:0002442. Disease mechanism: loss of function. Inheritance: Various modes of inheritance.

Allele frequency attached by ClinVar (database versions not stated): gnomAD 0.01474 and 0.01567; TOPMed 0.01682; ESP Exome Variant Server 0.01853; 1000 Genomes Project 30x 0.02092; 1000 Genomes Project 0.02196.
gnomAD v4.1: 4,531 of 1,614,010 alleles (0.28%); highest among the groups gnomAD compares: African/African-American, 5.2%; 131 homozygotes.

Submissions (11):

Labcorp Genetics (formerly Invitae), Labcorp
Classification: Benign for Long QT syndrome. Last evaluated: 2026-02-02. Review status: criteria provided, single submitter. Criteria: Invitae Variant Classification Sherloc (09022015). Collection method: clinical testing. Allele origin: germline.

Genomic Medicine Center of Excellence, King Faisal Specialist Hospital and Research Centre
Classification: Likely benign. Last evaluated: 2025-08-18. Review status: criteria provided, single submitter. Criteria: ACMG Guidelines, 2015. Collection method: clinical testing. Allele origin: germline.

ARUP Laboratories, Molecular Genetics and Genomics, ARUP Laboratories
Classification: Benign. Last evaluated: 2023-11-29. Review status: criteria provided, single submitter. Criteria: ARUP Molecular Germline Variant Investigation Process 2024. Collection method: clinical testing. Allele origin: germline.

Genome-Nilou Lab
Classification: Benign for Cardiac arrhythmia, ankyrin-B-related. Last evaluated: 2021-12-05. Review status: criteria provided, single submitter. Criteria: ACMG Guidelines, 2015. Collection method: clinical testing. Allele origin: germline. Affected: no.

Illumina Laboratory Services, Illumina
Classification: Benign for Cardiac arrhythmia, ankyrin-B-related. Last evaluated: 2018-01-12. Review status: criteria provided, single submitter. Criteria: ICSL Variant Classification Criteria 13 December 2019. Collection method: clinical testing. Allele origin: germline.
Comment: This variant was observed in the ICSL laboratory as part of a predisposition screen in an ostensibly healthy population. It had not been previously curated by ICSL or reported in the Human Gene Mutation Database (HGMD: prior to June 1st, 2018), and was therefore a candidate for classification through an automated scoring system. Utilizing variant allele frequency, disease prevalence and penetrance estimates, and inheritance mode, an automated score was calculated to assess if this variant is too frequent to cause the disease. Based on the score and internal cut-off values, a variant classified as benign is not then subjected to further curation. The score for this variant resulted in a classification of benign for this disease.

GeneDx
Classification: Benign. Last evaluated: 2016-10-26. Review status: criteria provided, single submitter. Criteria: GeneDx Variant Classification (06012015). Collection method: clinical testing. Allele origin: germline. Affected: yes.
Comment: This variant is considered likely benign or benign based on one or more of the following criteria: it is a conservative change, it occurs at a poorly conserved position in the protein, it is predicted to be benign by multiple in silico algorithms, and/or has population frequency not consistent with disease.

Ambry Genetics
Classification: Benign for Cardiovascular phenotype. Last evaluated: 2015-07-15. Review status: criteria provided, single submitter. Criteria: Ambry Variant Classification Scheme 2023. Collection method: clinical testing. Allele origin: germline.

Biesecker Lab/Clinical Genomics Section, National Institutes of Health
Classification: Benign. Last evaluated: 2013-06-24. Review status: criteria provided, single submitter. Criteria: Ng et al. (Circ Cardiovasc Genet. 2013). Collection method: research. Allele origin: unknown. Observed: 4 variant alleles. Study: ClinSeq.
Comment: The study set was not selected for affection status in relation to any cancer. Pathogenicity categories were based on literature curation. See Pubmed ID:23861362 for details.

Medical sequencing

Breakthrough Genomics
Classification: Benign. Review status: criteria provided, single submitter. Criteria: ACMG Guidelines, 2015. Collection method: not provided. Allele origin: germline. Inheritance: Autosomal dominant inheritance. Affected: yes.

Clinical Genetics, Academic Medical Center
Classification: Benign. Review status: no assertion criteria provided. Collection method: clinical testing. Allele origin: germline. Affected: yes. Study: VKGL Data-share Consensus. Not counted in ClinVar's aggregate classification.

Joint Genome Diagnostic Labs from Nijmegen and Maastricht, Radboudumc and MUMC+
Classification: Benign. Review status: no assertion criteria provided. Collection method: clinical testing. Allele origin: germline. Affected: yes. Study: VKGL Data-share Consensus. Not counted in ClinVar's aggregate classification.

NM_001148.6(ANK2):c.6634G>A (p.Gly2212Ser)

Gene: ANK2 (ankyrin 2; plus strand). Cytogenetic location: 4q26.
Variant type: single nucleotide variant.
Coding change: c.6634G>A on transcript NM_001148.6 (MANE Select); coding-DNA position 6634, G replaced by A.
Protein change: p.Gly2212Ser; replaces glycine 2212 with serine.
Molecular consequence: missense variant. On other transcripts: intron variant (68).
Genome position (GRCh38, 1-based): chr4:113,355,252, G>A. VCF-style: chr4-113355252-G-A. GRCh37 (hg19) VCF-style: chr4-114276408-G-A.
Other names: c.6400G>A, p.Gly2134Ser (NM_001386142.1); c.3034G>A, p.Gly1012Ser (NM_001386166.1); c.6775G>A, p.Gly2259Ser (NM_001386174.1); c.6751G>A, p.Gly2251Ser (NM_001386175.1); c.4411+5003G>A (NM_001386186.2, NM_001386148.2); c.4213+5003G>A (NM_001354269.3); c.4291+5003G>A (NM_001386187.2); c.4252+5003G>A (NM_001386147.1); and 35 more; short protein forms G2212S, G1012S, G2134S, G2251S, G2259S.
Identifiers: ClinVar variation 191558 (VCV000191558.25), dbSNP rs61734478, ClinGen allele CA199881.